The following is an entry in ClinVar:

ClinVar aggregate classification (germline): Conflicting classifications of pathogenicity. Review status: criteria provided, conflicting classifications (1 of 4 stars). 4 submissions from 4 submitters: Uncertain significance (3); Likely benign (1). Last evaluated 2025-10-05.

Conditions:
Cardiovascular phenotype. Identifiers: MedGen CN230736.
Dilated cardiomyopathy 1JJ (CMD1JJ). Identifiers: Orphanet 154, MedGen C3808935, MONDO:0014095, OMIM 615235.

Allele frequency attached by ClinVar (database versions not stated): ExAC 0.00002; TOPMed 0.00007.
gnomAD v4.1: 8 of 1,613,142 alleles (0.0005%); highest among the groups gnomAD compares: Admixed American, 0.013%; no homozygotes.

Submissions (4):

Labcorp Genetics (formerly Invitae), Labcorp
Classification: Uncertain significance for Dilated cardiomyopathy 1JJ. Last evaluated: 2025-10-05. Review status: criteria provided, single submitter. Criteria: Invitae Variant Classification Sherloc (09022015). Collection method: clinical testing. Allele origin: germline.
Comment: This sequence change replaces glycine, which is neutral and non-polar, with glutamic acid, which is acidic and polar, at codon 1424 of the LAMA4 protein (p.Gly1424Glu). This variant is present in population databases (rs781917247, gnomAD 0.02%). This variant has not been reported in the literature in individuals affected with LAMA4-related conditions. ClinVar contains an entry for this variant (Variation ID: 2682948). An algorithm developed to predict the effect of missense changes on protein structure and function outputs the following: PolyPhen-2: "Benign". The glutamic acid amino acid residue is found in multiple mammalian species, which suggests that this missense change does not adversely affect protein function. In summary, the available evidence is currently insufficient to determine the role of this variant in disease. Therefore, it has been classified as a Variant of Uncertain Significance.

Ambry Genetics
Classification: Likely benign for Cardiovascular phenotype. Last evaluated: 2025-09-07. Review status: criteria provided, single submitter. Criteria: Ambry Variant Classification Scheme 2023. Collection method: clinical testing. Allele origin: germline.

GeneDx
Classification: Uncertain significance. Last evaluated: 2025-01-16. Review status: criteria provided, single submitter. Criteria: GeneDx Variant Classification Process June 2021. Collection method: clinical testing. Allele origin: germline. Affected: yes.
Comment: Has not been previously published as pathogenic or benign to our knowledge; In silico analysis indicates that this missense variant does not alter protein structure/function

Mayo Clinic Laboratories, Mayo Clinic
Classification: Uncertain significance. Last evaluated: 2022-07-19. Review status: criteria provided, single submitter. Criteria: ACMG Guidelines, 2015. Collection method: clinical testing. Allele origin: germline. Observed: 1 variant allele.
Comment: BP4

NM_001105206.3(LAMA4):c.4292G>A (p.Gly1431Glu)

Gene: LAMA4 (laminin subunit alpha 4; minus strand). Cytogenetic location: 6q21.
Variant type: single nucleotide variant.
Coding change: c.4292G>A on transcript NM_001105206.3 (MANE Select); coding-DNA position 4292, G replaced by A.
Protein change: p.Gly1431Glu; replaces glycine 1431 with glutamic acid.
Molecular consequence: missense variant.
Genome position (GRCh38, 1-based): chr6:112,122,197, C>T on the plus strand (G>A on the coding strand, the complement: LAMA4 is on the minus strand). VCF-style: chr6-112122197-C-T. GRCh37 (hg19) VCF-style: chr6-112443400-C-T.
Other names: p.Gly1424Glu; c.4271G>A, p.Gly1424Glu (NM_001105207.3, NM_002290.5); short protein forms G1424E, G1431E.
Identifiers: ClinVar variation 2682948 (VCV002682948.4), dbSNP rs781917247, ClinGen allele CA3965004.